The following is an entry in ClinVar:

ClinVar aggregate classification (germline): Conflicting classifications of pathogenicity. Review status: criteria provided, conflicting classifications (1 of 4 stars). 6 submissions from 6 submitters: Uncertain significance (3); Likely benign (2). 1 of the submissions does not count toward it. Last evaluated 2025-08-15.

Conditions:
Melnick-Needles syndrome (MNS). Also called: Melnick-Needles Syndrome (FLNA-MNS); MELNICK-NEEDLES OSTEODYSPLASTY; OSTEODYSPLASTY OF MELNICK AND NEEDLES. Identifiers: Orphanet 2484, MedGen C0025237, MONDO:0010650, OMIM 309350.
Frontometaphyseal dysplasia (FMD1). Identifiers: Orphanet 1826, MedGen C0265293, MONDO:0015942.
Heterotopia, periventricular, X-linked dominant (PVNH1). Also called: X-linked periventricular heterotopia; PERIVENTRICULAR NODULAR HETEROTOPIA 4; HETEROTOPIA, PERIVENTRICULAR, 1; PERIVENTRICULAR NODULAR HETEROTOPIA 1. Identifiers: Orphanet 2149, Orphanet 82004, MedGen C1848213, MONDO:0010233, OMIM 300049.
Oto-palato-digital syndrome, type II (OPD2). Also called: Otopalatodigital Syndrome Type 2 (FLNA-OPD2); FACIOPALATOOSSEOUS SYNDROME; Otopalatodigital Syndrome, Type II; OPD II SYNDROME. Identifiers: Orphanet 669, Orphanet 90652, MedGen C1844696, MONDO:0010571, OMIM 304120.
Microcephaly. Also called: Microcephaly (disease). Identifiers: MedGen C4551563, MONDO:0001149, HP:0000252.
Severe intellectual disability. Identifiers: MedGen C0036857, HP:0010864.
Myopia. Also called: Myopia (disease). Identifiers: MedGen C0027092, MONDO:0001384, HP:0000545.
Ventricular septal defect. Identifiers: MedGen C0018818, MONDO:0002070, HP:0001629.
Abnormality of the dentition. Also called: Dental anomalies. Identifiers: MedGen C0262444, HP:0000164.
Hydronephrosis. Identifiers: MedGen C0020295, MONDO:0005510, HP:0000126.
Familial thoracic aortic aneurysm and aortic dissection (TAAD). Also called: Thoracic aortic aneurysms and dissections. Identifiers: Orphanet 91387, MedGen C4707243, MONDO:0019625.

Allele frequency attached by ClinVar (database versions not stated): ExAC 0.00001; gnomAD exomes 0.00001; gnomAD 0.00002; TOPMed 0.00003.
gnomAD v4.1: 11 of 1,208,981 alleles (0.00091%); highest among the groups gnomAD compares: African/African-American, 0.0018%; no homozygotes.

Submissions (6):

GeneDx
Classification: Uncertain significance. Last evaluated: 2025-08-15. Review status: criteria provided, single submitter. Criteria: GeneDx Variant Classification Process June 2021. Collection method: clinical testing. Allele origin: germline.
Comment: Has not been previously published as pathogenic or benign to our knowledge; In silico analysis supports that this missense variant has a deleterious effect on protein structure/function

Labcorp Genetics (formerly Invitae), Labcorp
Classification: Likely benign for Oto-palato-digital syndrome, type II; Heterotopia, periventricular, X-linked dominant; Frontometaphyseal dysplasia; Melnick-Needles syndrome. Last evaluated: 2025-07-08. Review status: criteria provided, single submitter. Criteria: Invitae Variant Classification Sherloc (09022015). Collection method: clinical testing. Allele origin: germline.

Ambry Genetics
Classification: Likely benign for Familial thoracic aortic aneurysm and aortic dissection. Last evaluated: 2024-11-15. Review status: criteria provided, single submitter. Criteria: Ambry Variant Classification Scheme 2023. Collection method: clinical testing. Allele origin: germline.

Blueprint Genetics
Classification: Uncertain significance. Last evaluated: 2024-02-21. Review status: criteria provided, single submitter. Criteria: ACMG Guidelines, 2015. Collection method: clinical testing. Allele origin: germline.

Women's Health and Genetics/Laboratory Corporation of America, LabCorp
Classification: Uncertain significance. Last evaluated: 2024-01-22. Review status: criteria provided, single submitter. Criteria: LabCorp Variant Classification Summary - May 2015. Collection method: clinical testing. Allele origin: germline.

Clinical Genetics, Amsterdam Medical Centre
Classification: Uncertain significance for Severe intellectual disability; Ventricular septal defect; Microcephaly; Myopia; Abnormality of the dentition; Hydronephrosis. Last evaluated: 2019-01-29. Review status: no assertion criteria provided. Collection method: clinical testing. Allele origin: maternal. Inheritance: X-linked recessive inheritance. Observed: 1 hemizygote. Not counted in ClinVar's aggregate classification.

NM_001110556.2(FLNA):c.3934C>T (p.Arg1312Cys)

Gene: FLNA (filamin A; minus strand). Cytogenetic location: Xq28.
Variant type: single nucleotide variant.
Coding change: c.3934C>T on transcript NM_001110556.2 (MANE Select); coding-DNA position 3934, C replaced by T.
Protein change: p.Arg1312Cys; replaces arginine 1312 with cysteine.
Molecular consequence: missense variant.
Genome position (GRCh38, 1-based): chrX:154,359,777, G>A on the plus strand (C>T on the coding strand, the complement: FLNA is on the minus strand). VCF-style: chrX-154359777-G-A. GRCh37 (hg19) VCF-style: chrX-153588145-G-A.
Other names: c.3934C>T, p.Arg1312Cys (NM_001456.4); short protein forms R1312C.
Identifiers: ClinVar variation 617640 (VCV000617640.20), dbSNP rs781928289, ClinGen allele CA10560635.